The following is an entry in ClinVar:

ClinVar aggregate classification (germline): Uncertain significance (1 of 4 stars; one submission).

Conditions:
Familial thoracic aortic aneurysm and aortic dissection (TAAD). Also called: Thoracic aortic aneurysms and dissections. Identifiers: Orphanet 91387, MedGen C4707243, MONDO:0019625.

Allele frequency attached by ClinVar (database versions not stated): gnomAD 0.00001.
gnomAD v4.1: 1 of 1,613,970 alleles (0.000062%); highest among the groups gnomAD compares: Non-Finnish European, 0.000085%; no homozygotes.

Submission:

Ambry Genetics
Classification: Uncertain significance for Familial thoracic aortic aneurysm and aortic dissection. Last evaluated: 2023-05-27. Review status: criteria provided, single submitter. Criteria: Ambry Variant Classification Scheme 2023. Collection method: clinical testing. Allele origin: germline.
Comment: The p.V1171I variant (also known as c.3511G>A), located in coding exon 16 of the MYLK gene, results from a G to A substitution at nucleotide position 3511. The valine at codon 1171 is replaced by isoleucine, an amino acid with highly similar properties. This amino acid position is conserved. In addition, this alteration is predicted to be tolerated by in silico analysis. Since supporting evidence is limited at this time, the clinical significance of this alteration remains unclear.

NM_053025.4(MYLK):c.3511G>A (p.Val1171Ile)

Gene: MYLK (myosin light chain kinase; minus strand). Cytogenetic location: 3q21.1.
Variant type: single nucleotide variant.
Coding change: c.3511G>A on transcript NM_053025.4 (MANE Select); coding-DNA position 3511, G replaced by A.
Protein change: p.Val1171Ile; replaces valine 1171 with isoleucine.
Molecular consequence: missense variant.
Genome position (GRCh38, 1-based): chr3:123,692,789, C>T on the plus strand (G>A on the coding strand, the complement: MYLK is on the minus strand). VCF-style: chr3-123692789-C-T. GRCh37 (hg19) VCF-style: chr3-123411636-C-T.
Other names: c.2983G>A, p.Val995Ile (NM_001321309.2); c.3304G>A, p.Val1102Ile (NM_053026.4, NM_053028.4); c.3511G>A, p.Val1171Ile (NM_053027.4); short protein forms V995I, V1102I, V1171I.
Identifiers: ClinVar variation 2561213 (VCV002561213.2), dbSNP rs1396734311, ClinGen allele CA354234909.